The following is an entry in ClinVar:

NM_017882.3(CLN6):c.653G>T (p.Gly218Val)

Gene: CLN6 (CLN6 transmembrane ER protein; minus strand). Cytogenetic location: 15q23.
Variant type: single nucleotide variant.
Coding change: c.653G>T on transcript NM_017882.3 (MANE Select); coding-DNA position 653, G replaced by T.
Protein change: p.Gly218Val; replaces glycine 218 with valine.
Molecular consequence: missense variant.
Genome position (GRCh38, 1-based): chr15:68,209,649, C>A on the plus strand (G>T on the coding strand, the complement: CLN6 is on the minus strand). VCF-style: chr15-68209649-C-A. GRCh37 (hg19) VCF-style: chr15-68501987-C-A.
Other names: short protein forms G218V.
Identifiers: ClinVar variation 864779 (VCV000864779.10), dbSNP rs1160988895, ClinGen allele CA392972800.
Genomic context (GRCh38, chr15:68,209,649, plus strand): 5'-GGCTCTCTCAGTGCCCCTGCCTCTGCCCCCATGCTGATGTCCACTCACCAGTAGTACAGG[C>A]CACTGGGTGCCACCAGGAGCAGGGCAGGCCCTGGAATCAAGCTCTCAGCTTTAGAGGCAG-3'
Protein context (NP_060352.1, residues 208-228): GPALLLVAPS[Gly218Val]LYYWYLVTEG

ClinVar aggregate classification (germline): Uncertain significance (1 of 4 stars; one submission).

Conditions:
Neuronal ceroid lipofuscinosis. Also called: Neuronal Ceroid Lipofuscinoses. Identifiers: Orphanet 216, Orphanet 79263, MedGen C0027877, MONDO:0016295. Disease mechanism: loss of function.

Submission:

Labcorp Genetics (formerly Invitae), Labcorp
Classification: Uncertain significance for Neuronal ceroid lipofuscinosis. Last evaluated: 2020-01-13. Review status: criteria provided, single submitter. Criteria: Invitae Variant Classification Sherloc (09022015). Collection method: clinical testing. Allele origin: germline.
Comment: This sequence change replaces glycine with valine at codon 218 of the CLN6 protein (p.Gly218Val). The glycine residue is moderately conserved and there is a moderate physicochemical difference between glycine and valine. In summary, the available evidence is currently insufficient to determine the role of this variant in disease. Therefore, it has been classified as a Variant of Uncertain Significance. Algorithms developed to predict the effect of missense changes on protein structure and function are either unavailable or do not agree on the potential impact of this missense change (SIFT: "Deleterious"; PolyPhen-2: "Possibly Damaging"; Align-GVGD: "Class C0"). This variant has not been reported in the literature in individuals with CLN6-related conditions. This variant is not present in population databases (ExAC no frequency).